The following is an entry in ClinVar:

ClinVar aggregate classification (germline): Uncertain significance (1 of 4 stars; one submission).

Conditions:
Progressive myoclonic epilepsy type 9. Identifiers: Orphanet 457265, MedGen C4225289, MONDO:0014685, OMIM 616540.
Lipodystrophy, partial, acquired, susceptibility to (APLD). Also called: APLD, SUSCEPTIBILITY TO. Identifiers: MedGen C3887501, MONDO:0100476, OMIM 608709.

Submission:

Labcorp Genetics (formerly Invitae), Labcorp
Classification: Uncertain significance for Progressive myoclonic epilepsy type 9; Lipodystrophy, partial, acquired, susceptibility to. Last evaluated: 2021-06-24. Review status: criteria provided, single submitter. Criteria: Invitae Variant Classification Sherloc (09022015). Collection method: clinical testing. Allele origin: germline.
Comment: In summary, the available evidence is currently insufficient to determine the role of this variant in disease. Therefore, it has been classified as a Variant of Uncertain Significance. Algorithms developed to predict the effect of sequence changes on RNA splicing suggest that this variant may create or strengthen a splice site, but this prediction has not been confirmed by published transcriptional studies. Algorithms developed to predict the effect of missense changes on protein structure and function (SIFT, PolyPhen-2, Align-GVGD) all suggest that this variant is likely to be disruptive, but these predictions have not been confirmed by published functional studies and their clinical significance is uncertain. This variant has not been reported in the literature in individuals with LMNB2-related conditions. This variant is not present in population databases (ExAC no frequency). This sequence change replaces glutamic acid with valine at codon 238 of the LMNB2 protein (p.Glu238Val). The glutamic acid residue is highly conserved and there is a moderate physicochemical difference between glutamic acid and valine.

NM_032737.4(LMNB2):c.713A>T (p.Glu238Val)

Gene: LMNB2 (lamin B2; minus strand). Cytogenetic location: 19p13.3.
Variant type: single nucleotide variant.
Coding change: c.713A>T on transcript NM_032737.4 (MANE Select); coding-DNA position 713, A replaced by T.
Protein change: p.Glu238Val; replaces glutamic acid 238 with valine.
Molecular consequence: missense variant.
Genome position (GRCh38, 1-based): chr19:2,435,143, T>A on the plus strand (A>T on the coding strand, the complement: LMNB2 is on the minus strand). VCF-style: chr19-2435143-T-A. GRCh37 (hg19) VCF-style: chr19-2435141-T-A.
Other names: short protein forms E238V.
Identifiers: ClinVar variation 1476479 (VCV001476479.8), dbSNP rs2145449474, ClinGen allele CA403255398.
Genomic context (GRCh38, chr19:2,435,143, plus strand): 5'-TGTGCCATCTTGAAGTCGTACTCCTGCTGCCGGCTGCTGTCCACCTCCACCAGGCGCCGC[T>A]CGTGCCGCCGCCGCGTCTCCCGCACCTCCTGCGGACCAAGGCTTCGTGACCCTCTGGTCC-3'
Protein context (NP_116126.3, residues 228-248): EEVRETRRRH[Glu238Val]RRLVEVDSSR